The following is an entry in ClinVar:

ClinVar aggregate classification (germline): Uncertain significance (1 of 4 stars; one submission).

Allele frequency attached by ClinVar (database versions not stated): gnomAD exomes below 0.00001; ExAC 0.00001; gnomAD 0.00001; TOPMed 0.00001; ESP Exome Variant Server 0.00008.
gnomAD v4.1: 7 of 1,614,058 alleles (0.00043%); highest among the groups gnomAD compares: Non-Finnish European, 0.00059%; no homozygotes.

Submission:

Labcorp Genetics (formerly Invitae), Labcorp
Classification: Uncertain significance. Last evaluated: 2023-10-14. Review status: criteria provided, single submitter. Criteria: Invitae Variant Classification Sherloc (09022015). Collection method: clinical testing. Allele origin: germline.
Comment: This sequence change replaces lysine, which is basic and polar, with glutamic acid, which is acidic and polar, at codon 101 of the APOA1 protein (p.Lys101Glu). This variant is not present in population databases (gnomAD no frequency). This variant has not been reported in the literature in individuals affected with APOA1-related conditions. Advanced modeling of protein sequence and biophysical properties (such as structural, functional, and spatial information, amino acid conservation, physicochemical variation, residue mobility, and thermodynamic stability) performed at Invitae indicates that this missense variant is not expected to disrupt APOA1 protein function. In summary, the available evidence is currently insufficient to determine the role of this variant in disease. Therefore, it has been classified as a Variant of Uncertain Significance.

NM_000039.3(APOA1):c.301A>G (p.Lys101Glu)

Genes: APOA1 (apolipoprotein A1; minus strand), APOA1-AS (APOA1 antisense RNA; plus strand). Cytogenetic location: 11q23.3.
Variant type: single nucleotide variant.
Coding change: c.301A>G on transcript NM_000039.3 (MANE Select); coding-DNA position 301, A replaced by G.
Protein change: p.Lys101Glu; replaces lysine 101 with glutamic acid.
Molecular consequence: missense variant.
Genome position (GRCh38, 1-based): chr11:116,836,311, T>C on the plus strand (A>G on the coding strand, the complement: APOA1 is on the minus strand). VCF-style: chr11-116836311-T-C. GRCh37 (hg19) VCF-style: chr11-116707027-T-C.
Other names: c.301A>G, p.Lys101Glu (NM_001425093.1, NM_001318017.2, NM_001318018.2 and 1 more transcripts); c.-27A>G (NM_001318021.2, NM_001425091.1, NM_001425092.1); short protein forms K101E.
Identifiers: ClinVar variation 2827883 (VCV002827883.3), dbSNP rs143723530, ClinGen allele CA6289829.